The following is an entry in ClinVar:

ClinVar aggregate classification (germline): Uncertain significance. Review status: criteria provided, multiple submitters, no conflicts (2 of 4 stars). 2 submissions from 2 submitters: Uncertain significance (2). Last evaluated 2026-02-23.

Conditions:
Hereditary cancer-predisposing syndrome. Also called: Hereditary neoplastic syndrome; Neoplastic Syndromes, Hereditary; Tumor predisposition; Hereditary Cancer Syndrome. Identifiers: Orphanet 140162, MedGen C0027672, MeSH D009386, MONDO:0015356.
Tuberous sclerosis 2 (TSC2). Identifiers: Orphanet 805, MedGen C1860707, MONDO:0013199, OMIM 613254.

Submissions (2):

Ambry Genetics
Classification: Uncertain significance for Hereditary cancer-predisposing syndrome. Last evaluated: 2026-02-23. Review status: criteria provided, single submitter. Criteria: Ambry Variant Classification Scheme 2023. Collection method: clinical testing. Allele origin: germline.
Comment: The p.L122P variant (also known as c.365T>C), located in coding exon 4 of the TSC2 gene, results from a T to C substitution at nucleotide position 365. The leucine at codon 122 is replaced by proline, an amino acid with similar properties. This amino acid position is conserved. In addition, the in silico prediction for this alteration is inconclusive. Based on the available evidence, the clinical significance of this variant remains unclear.

Labcorp Genetics (formerly Invitae), Labcorp
Classification: Uncertain significance for Tuberous sclerosis 2. Last evaluated: 2022-04-16. Review status: criteria provided, single submitter. Criteria: Invitae Variant Classification Sherloc (09022015). Collection method: clinical testing. Allele origin: germline.
Comment: This sequence change replaces leucine, which is neutral and non-polar, with proline, which is neutral and non-polar, at codon 122 of the TSC2 protein (p.Leu122Pro). This variant is not present in population databases (gnomAD no frequency). This variant has not been reported in the literature in individuals affected with TSC2-related conditions. Advanced modeling of protein sequence and biophysical properties (such as structural, functional, and spatial information, amino acid conservation, physicochemical variation, residue mobility, and thermodynamic stability) performed at Invitae indicates that this missense variant is not expected to disrupt TSC2 protein function. In summary, the available evidence is currently insufficient to determine the role of this variant in disease. Therefore, it has been classified as a Variant of Uncertain Significance.

NM_000548.5(TSC2):c.365T>C (p.Leu122Pro)

Gene: TSC2 (TSC complex subunit 2; plus strand). Cytogenetic location: 16p13.3.
Variant type: single nucleotide variant.
Coding change: c.365T>C on transcript NM_000548.5 (MANE Select); coding-DNA position 365, T replaced by C.
Protein change: p.Leu122Pro; replaces leucine 122 with proline.
Molecular consequence: missense variant. On other transcripts: intron variant (1).
Genome position (GRCh38, 1-based): chr16:2,054,324, T>C. VCF-style: chr16-2054324-T-C. GRCh37 (hg19) VCF-style: chr16-2104325-T-C.
Other names: c.365T>C, p.Leu122Pro (NM_001077183.3, NM_001114382.3, NM_001363528.2 and 8 more transcripts); c.254T>C, p.Leu85Pro (NM_001318827.2, NM_001406670.1, NM_001406678.1); c.218T>C, p.Leu73Pro (NM_001318829.2, NM_001406675.1, NM_001406676.1 and 1 more transcripts); c.398T>C, p.Leu133Pro (NM_001318832.2); c.455T>C, p.Leu152Pro (NM_001406667.1, NM_001406668.1); c.308T>C, p.Leu103Pro (NM_001406677.1); c.-452T>C (NM_001406680.1, NM_001406683.1, NM_001406687.1); c.-81T>C (NM_001406681.1); and 6 more; short protein forms L122P, L133P, L152P, L103P, L73P, L85P.
Identifiers: ClinVar variation 2186523 (VCV002186523.5), dbSNP rs756263581, ClinGen allele CA394306657.